The following is an entry in ClinVar:

NM_001388492.1(HTT):c.2051G>C (p.Cys684Ser)

Gene: HTT (huntingtin; plus strand). Cytogenetic location: 4p16.3.
Variant type: single nucleotide variant.
Coding change: c.2051G>C on transcript NM_001388492.1 (MANE Select); coding-DNA position 2051, G replaced by C.
Protein change: p.Cys684Ser; replaces cysteine 684 with serine.
Molecular consequence: missense variant.
Genome position (GRCh38, 1-based): chr4:3,131,350, G>C. VCF-style: chr4-3131350-G-C. GRCh37 (hg19) VCF-style: chr4-3133077-G-C.
Other names: c.2057G>C, p.Cys686Ser (NM_002111.8); short protein forms C684S, C686S.
Identifiers: ClinVar variation 1524477 (VCV001524477.6), dbSNP rs1159574285, ClinGen allele CA356081616.

ClinVar aggregate classification (germline): Uncertain significance (1 of 4 stars; one submission).

Allele frequency attached by ClinVar (database versions not stated): TOPMed below 0.00001; gnomAD 0.00001.
gnomAD v4.1: 2 of 1,613,936 alleles (0.00012%); highest among the groups gnomAD compares: Non-Finnish European, 0.00017%; no homozygotes.

Submission:

Labcorp Genetics (formerly Invitae), Labcorp
Classification: Uncertain significance. Last evaluated: 2022-08-10. Review status: criteria provided, single submitter. Criteria: Invitae Variant Classification Sherloc (09022015). Collection method: clinical testing. Allele origin: germline.
Comment: This variant has not been reported in the literature in individuals affected with HTT-related conditions. This variant is present in population databases (no rsID available, gnomAD 0.0009%). This sequence change replaces cysteine, which is neutral and slightly polar, with serine, which is neutral and polar, at codon 686 of the HTT protein (p.Cys686Ser). ClinVar contains an entry for this variant (Variation ID: 1524477). In summary, the available evidence is currently insufficient to determine the role of this variant in disease. Therefore, it has been classified as a Variant of Uncertain Significance. Experimental studies and prediction algorithms are not available or were not evaluated, and the functional significance of this variant is currently unknown.